The following is an entry in ClinVar:

ClinVar aggregate classification (germline): Pathogenic (1 of 4 stars; one submission).

Conditions:
Inborn genetic diseases. Identifiers: MedGen C0950123, MeSH D030342.

Submission:

Ambry Genetics
Classification: Pathogenic for Inborn genetic diseases. Last evaluated: 2026-04-21. Review status: criteria provided, single submitter. Criteria: Ambry Variant Classification Scheme 2023. Collection method: clinical testing. Allele origin: germline.
Comment: The c.1530delG (p.I511Lfs*6) alteration, located in exon 13 (coding exon 13) of the NAA15 gene, consists of a deletion of one nucleotide at position 1530, causing a translational frameshift with a predicted alternate stop codon after 6 amino acids. This variant is expected to result in loss of function by premature protein truncation or nonsense-mediated mRNA decay. This variant was not reported in population-based cohorts in the Genome Aggregation Database (gnomAD). Based on the available evidence, this alteration is classified as pathogenic.

NM_057175.5(NAA15):c.1530del (p.Ile511fs)

Gene: NAA15 (N-alpha-acetyltransferase 15, NatA auxiliary subunit; plus strand). Cytogenetic location: 4q31.1.
Variant type: Deletion.
Coding change: c.1530del on transcript NM_057175.5 (MANE Select); coding-DNA position 1530, one base deleted (G; older notation c.1530delG).
Protein change: p.Ile511fs; shifts the reading frame from isoleucine 511.
Molecular consequence: frameshift variant.
Genome position (GRCh38, 1-based): chr4:139,360,619, G deleted. VCF-style (leftmost placement, unchanged base first): chr4-139360618-AG-A. GRCh37 (hg19) VCF-style: chr4-140281772-AG-A.
Other names: c.1530del, p.Ile511fs (NM_001410842.1); short protein forms I511fs.
Identifiers: ClinVar variation 4860722 (VCV004860722.1).